The following is an entry in ClinVar:

ClinVar aggregate classification (germline): Likely benign. Review status: criteria provided, multiple submitters, no conflicts (2 of 4 stars). 3 submissions from 3 submitters: Likely benign (3). Last evaluated 2025-09-28.

Conditions:
KMT2E-related disorder. Also called: KMT2E-related condition.

Allele frequency attached by ClinVar (database versions not stated): gnomAD 0.00005; gnomAD exomes 0.00006.
gnomAD v4.1: 72 of 1,267,932 alleles (0.0057%); highest among the groups gnomAD compares: Non-Finnish European, 0.0072%; no homozygotes.

Submissions (3):

PreventionGenetics, part of Exact Sciences
Classification: Likely benign for KMT2E-related condition. Last evaluated: 2025-09-28. Review status: criteria provided, single submitter. Criteria: ACMG Guidelines, 2015. Collection method: clinical testing. Allele origin: germline.
Comment: This variant is classified as likely benign based on ACMG/AMP sequence variant interpretation guidelines (Richards et al. 2015 PMID: 25741868, with internal and published modifications).

Labcorp Genetics (formerly Invitae), Labcorp
Classification: Likely benign. Last evaluated: 2024-11-29. Review status: criteria provided, single submitter. Criteria: Invitae Variant Classification Sherloc (09022015). Collection method: clinical testing. Allele origin: germline.

Blueprint Genetics
Classification: Likely benign. Last evaluated: 2023-04-03. Review status: criteria provided, single submitter. Criteria: ACMG Guidelines, 2015. Collection method: clinical testing. Allele origin: germline.

NM_182931.3(KMT2E):c.5088A>G (p.Pro1696=)

Gene: KMT2E (lysine methyltransferase 2E (inactive); plus strand). Cytogenetic location: 7q22.3.
Variant type: single nucleotide variant.
Coding change: c.5088A>G on transcript NM_182931.3 (MANE Select); coding-DNA position 5088, A replaced by G.
Protein change: p.Pro1696=; no amino-acid change (proline 1696 retained).
Molecular consequence: synonymous variant.
Genome position (GRCh38, 1-based): chr7:105,112,844, A>G. VCF-style: chr7-105112844-A-G. GRCh37 (hg19) VCF-style: chr7-104753291-A-G.
Other names: c.5088A>G (NM_182931.2); c.4962A>G, p.Pro1654= (NM_001410908.1); c.5088A>G, p.Pro1696= (NM_018682.4).
Identifiers: ClinVar variation 2902520 (VCV002902520.5), dbSNP rs750675021, ClinGen allele CA4424910.